The following is an entry in ClinVar:

NM_139058.3(ARX):c.1074-3T>C

Gene: ARX (aristaless related homeobox; minus strand). Cytogenetic location: Xp21.3.
Variant type: single nucleotide variant.
Coding change: c.1074-3T>C on transcript NM_139058.3 (MANE Select); 3 bases into the intron before coding-DNA position 1074, T replaced by C.
Molecular consequence: intron variant.
Genome position (GRCh38, 1-based): chrX:25,010,308, A>G on the plus strand (T>C on the coding strand, the complement: ARX is on the minus strand). VCF-style: chrX-25010308-A-G. GRCh37 (hg19) VCF-style: chrX-25028425-A-G.
Identifiers: ClinVar variation 136421 (VCV000136421.26), dbSNP rs200700643, ClinGen allele CA171140.

ClinVar aggregate classification (germline): Benign/Likely benign. Review status: criteria provided, multiple submitters, no conflicts (2 of 4 stars). 7 submissions from 7 submitters: Benign (4); Likely benign (1). 2 of the submissions do not count toward it. Last evaluated 2026-02-04.

Conditions:
Intellectual disability, X-linked, with or without seizures, ARX-related. Also called: INTELLECTUAL DEVELOPMENTAL DISORDER, X-LINKED 29; MENTAL RETARDATION, X-LINKED 29; MENTAL RETARDATION, X-LINKED 32; MENTAL RETARDATION, X-LINKED 33; MENTAL RETARDATION, X-LINKED 38; MENTAL RETARDATION, X-LINKED 43. Identifiers: Orphanet 777, MedGen C0796244, MONDO:0010317, OMIM 300419.
Developmental and epileptic encephalopathy, 1 (DEE1). Also called: OHTAHARA SYNDROME, X-LINKED; Epileptic encephalopathy, early infantile, 1; INFANTILE SPASM SYNDROME, X-LINKED 1; X-linked infantile spasms; West's syndrome; Tonic spasms with clustering, arrest of psychomotor development and hypsarrhythmia on EEG. Identifiers: MedGen C3463992, MONDO:0010632, OMIM 308350. Disease mechanism: loss of function.
Inborn genetic diseases. Identifiers: MedGen C0950123, MeSH D030342.

Allele frequency attached by ClinVar (database versions not stated): gnomAD exomes 0.00034 and 0.00090; ExAC 0.00117; 1000 Genomes Project 0.00265; 1000 Genomes Project 30x 0.00291; gnomAD 0.00302 and 0.00337; TOPMed 0.00329; ESP Exome Variant Server 0.00464.
gnomAD v4.1: 708 of 1,206,576 alleles (0.059%); highest among the groups gnomAD compares: African/African-American, 1.1%; 5 homozygotes.

Submissions (7):

Labcorp Genetics (formerly Invitae), Labcorp
Classification: Benign for Developmental and epileptic encephalopathy, 1; Intellectual disability, X-linked, with or without seizures, ARX-related. Last evaluated: 2026-02-04. Review status: criteria provided, single submitter. Criteria: Invitae Variant Classification Sherloc (09022015). Collection method: clinical testing. Allele origin: germline.

Blueprint Genetics
Classification: Likely benign. Last evaluated: 2024-08-05. Review status: criteria provided, single submitter. Criteria: ACMG Guidelines, 2015. Collection method: clinical testing. Allele origin: germline.

Ambry Genetics
Classification: Benign for Inborn genetic diseases. Last evaluated: 2016-07-14. Review status: criteria provided, single submitter. Criteria: Ambry Variant Classification Scheme 2023. Collection method: clinical testing. Allele origin: germline.

GeneDx
Classification: Benign. Last evaluated: 2013-07-31. Review status: criteria provided, single submitter. Criteria: GeneDx Variant Classification (06012015). Collection method: clinical testing. Allele origin: germline. Affected: yes.
Comment: This variant is considered likely benign or benign based on one or more of the following criteria: it is a conservative change, it occurs at a poorly conserved position in the protein, it is predicted to be benign by multiple in silico algorithms, and/or has population frequency not consistent with disease.

Genetic Services Laboratory, University of Chicago
Classification: Benign. Last evaluated: 2013-02-08. Review status: criteria provided, single submitter. Criteria: ACMG Guidelines, 2007. Collection method: clinical testing. Allele origin: germline. Inheritance: X-linked inheritance.

Clinical Genetics DNA and cytogenetics Diagnostics Lab, Erasmus MC, Erasmus Medical Center
Classification: Likely benign. Review status: no assertion criteria provided. Collection method: clinical testing. Allele origin: germline. Affected: yes. Study: VKGL Data-share Consensus. Not counted in ClinVar's aggregate classification.

Diagnostic Laboratory, Department of Genetics, University Medical Center Groningen
Classification: Benign. Review status: no assertion criteria provided. Collection method: clinical testing. Allele origin: germline. Affected: yes. Study: VKGL Data-share Consensus. Not counted in ClinVar's aggregate classification.